The following is an entry in ClinVar:

NM_004364.5(CEBPA):c.546GCC[9] (p.Pro188_Pro189dup)

Gene: CEBPA (CCAAT enhancer binding protein alpha; minus strand). Cytogenetic location: 19q13.11.
Variant type: Microsatellite.
Coding change: c.546GCC[9] on transcript NM_004364.5 (MANE Select); nine copies in a row of the 3-base unit GCC starting at c.546; the reference has seven copies in a row; two copies, 6 bases duplicated.
Protein change: p.Pro188_Pro189dup.
Molecular consequence: inframe insertion.
Genome position (GRCh38, 1-based): chr19:33,301,849-33,301,854, GGCGGC duplicated on the plus strand (GCCGCC on the coding strand, the reverse complement: CEBPA is on the minus strand); duplicating any 6 consecutive bases within chr19:33,301,849-33,301,869 gives the same sequence; the position shown is the placement nearest the transcript's 3' end. VCF-style (leftmost placement, unchanged base first): chr19-33301848-G-GGGCGGC. GRCh37 (hg19) VCF-style: chr19-33792754-G-GGGCGGC.
Other names: c.561_566dup6 (NM_004364.4); c.189GCC[9], p.Pro69_Pro70dup (NM_001285829.2); c.651GCC[9], p.Pro223_Pro224dup (NM_001287424.2); c.504GCC[9], p.Pro174_Pro175dup (NM_001287435.2); c.561_566dupGCCGCC (NM_004364.3).
Identifiers: ClinVar variation 937708 (VCV000937708.12), dbSNP rs746430067, ClinGen allele CA995294316.

ClinVar aggregate classification (germline): Uncertain significance. Review status: criteria provided, multiple submitters, no conflicts (2 of 4 stars). 4 submissions from 4 submitters: Uncertain significance (4). Last evaluated 2025-11-18.

Conditions:
Acute myeloid leukemia (AML). Also called: Acute myeloid leukemia, adult; AML adult; Acute non-lymphocytic leukemia; Acute granulocytic leukemia; Leukemia, acute myelogenous, somatic; Leukemia, acute myeloid, somatic. Identifiers: Orphanet 519, MedGen C0023467, MeSH D015470, MONDO:0018874, OMIM 601626, HP:0004808. Disease mechanism: Constitutively activated FLT3.
Inborn genetic diseases. Identifiers: MedGen C0950123, MeSH D030342.
CEBPA-related disorder. Also called: CEBPA-related condition.

Submissions (4):

PreventionGenetics, part of Exact Sciences
Classification: Uncertain significance for CEBPA-related condition. Last evaluated: 2025-11-18. Review status: criteria provided, single submitter. Criteria: ACMG Guidelines, 2015. Collection method: clinical testing. Allele origin: germline.
Comment: The CEBPA c.561_566dup6 variant is predicted to result in an in-frame duplication (p.Pro188_Pro189dup). To our knowledge, this variant has not been reported in the literature or in a large population database (gnomAD), indicating this variant is rare. This variant is interpreted as uncertain in ClinVar (Variation ID: 937708). At this time, the clinical significance of this variant is uncertain due to the absence of conclusive functional and genetic evidence.

Ambry Genetics
Classification: Uncertain significance for Inborn genetic diseases. Last evaluated: 2025-02-08. Review status: criteria provided, single submitter. Criteria: Ambry Variant Classification Scheme 2023. Collection method: clinical testing. Allele origin: germline.
Comment: The c.561_566dupGCCGCC variant (also known as p.P188_P189dup), located in coding exon 1 of the CEBPA gene, results from an in-frame duplication of GCCGCC at nucleotide positions 561 to 566. This results in the duplication of 2 extra residues (PP) between codons 188 and 189. This amino acid position is well conserved in available vertebrate species. Based on the available evidence, the clinical significance of this variant remains unclear.

Labcorp Genetics (formerly Invitae), Labcorp
Classification: Uncertain significance for Acute myeloid leukemia. Last evaluated: 2023-10-04. Review status: criteria provided, single submitter. Criteria: Invitae Variant Classification Sherloc (09022015). Collection method: clinical testing. Allele origin: germline.
Comment: This variant, c.561_566dup, results in the insertion of 2 amino acid(s) of the CEBPA protein (p.Pro188_Pro189dup), but otherwise preserves the integrity of the reading frame. This variant is not present in population databases (gnomAD no frequency). This variant has not been reported in the literature in individuals affected with CEBPA-related conditions. ClinVar contains an entry for this variant (Variation ID: 937708). Experimental studies and prediction algorithms are not available or were not evaluated, and the functional significance of this variant is currently unknown. In summary, the available evidence is currently insufficient to determine the role of this variant in disease. Therefore, it has been classified as a Variant of Uncertain Significance.

Blueprint Genetics
Classification: Uncertain significance. Last evaluated: 2023-03-08. Review status: criteria provided, single submitter. Criteria: ACMG Guidelines, 2015. Collection method: clinical testing. Allele origin: germline.